The following is an entry in ClinVar:

ClinVar aggregate classification (germline): Pathogenic (1 of 4 stars; one submission).

Conditions:
Lynch syndrome. Identifiers: Orphanet 144, MedGen C4552100, MONDO:0005835. Disease mechanism: loss of function.

Submission:

All of Us Research Program, National Institutes of Health
Classification: Pathogenic for Lynch syndrome. Last evaluated: 2024-08-13. Review status: criteria provided, single submitter. Criteria: ACMG Guidelines, 2015. Collection method: clinical testing. Allele origin: germline. Inheritance: Autosomal dominant inheritance. Observed: 1 variant allele, 1 heterozygote.
Comment: This variant deletes 5 nucleotides in exon 4 of the MSH6 gene, creating a frameshift and premature translation stop signal. This variant is expected to result in an absent or non-functional protein product. To our knowledge, this variant has not been reported in individuals affected with MSH6-related disorders in the literature. This variant has not been identified in the general population by the Genome Aggregation Database (gnomAD). Loss of MSH6 function is a known mechanism of disease. Based on the available evidence, this variant is classified as Pathogenic.

This study involves interpretation of variants in research participants for the purpose of population health screening. Participant phenotype was not available at the time of variant classification. Additional details can be found in publication PMID: 35346344, PMCID: PMC8962531

NM_000179.3(MSH6):c.2544_2548del (p.Thr849fs)

Gene: MSH6 (mutS homolog 6; plus strand). Cytogenetic location: 2p16.3.
Variant type: Deletion.
Coding change: c.2544_2548del on transcript NM_000179.3 (MANE Select); coding-DNA positions 2544 to 2548, 5 bases deleted (TACAT; older notation c.2544_2548delTACAT).
Protein change: p.Thr849fs; shifts the reading frame from threonine 849.
Molecular consequence: frameshift variant. On other transcripts: non-coding transcript variant (5), intron variant (3).
Genome position (GRCh38, 1-based): chr2:47,800,527-47,800,531, TACAT deleted. VCF-style (leftmost placement, unchanged base first): chr2-47800526-CTACAT-C. GRCh37 (hg19) VCF-style: chr2-48027665-CTACAT-C.
Other names: c.2154_2158del, p.Thr719fs (NM_001281492.2); c.1638_1642del, p.Thr547fs (NM_001281493.2, NM_001281494.2, NM_001406811.1 and 6 more transcripts); c.2640_2644del, p.Thr881fs (NM_001406795.1, NM_001406802.1); c.2544_2548del, p.Thr849fs (NM_001406796.1, NM_001406798.1, NM_001406800.1 and 2 more transcripts); c.2247_2251del, p.Thr750fs (NM_001406797.1, NM_001406801.1, NM_001406805.1 and 10 more transcripts); c.2019_2023del, p.Thr674fs (NM_001406799.1, NM_001406806.1, NM_001406807.1); c.2466_2470del, p.Thr823fs (NM_001406804.1); c.2550_2554del, p.Thr851fs (NM_001406813.1); and 4 more; short protein forms T547fs, T674fs, T719fs, T750fs, T793fs, T823fs, T849fs, T851fs.
Identifiers: ClinVar variation 3387065 (VCV003387065.1).